The following is an entry in ClinVar:

ClinVar aggregate classification (germline): Pathogenic. Review status: criteria provided, multiple submitters, no conflicts (2 of 4 stars). 2 submissions from 2 submitters: Pathogenic (2). Last evaluated 2024-02-18.

Conditions:
Episodic ataxia type 2 (EA2). Also called: ACETAZOLAMIDE-RESPONSIVE HEREDITARY PAROXYSMAL CEREBELLAR ATAXIA; ATAXIA, EPISODIC, WITH NYSTAGMUS; ATAXIA, FAMILIAL PAROXYSMAL; CEREBELLAR ATAXIA, PAROXYSMAL, ACETAZOLAMIDE-RESPONSIVE; CEREBELLOPATHY, HEREDITARY PAROXYSMAL; EPISODIC ATAXIA, NYSTAGMUS-ASSOCIATED. Identifiers: Orphanet 97, MedGen C1720416, MONDO:0007163, OMIM 108500.

Submissions (2):

Clinical Genomics Laboratory, Washington University in St. Louis
Classification: Pathogenic for Episodic ataxia type 2. Last evaluated: 2024-02-18. Review status: criteria provided, single submitter. Criteria: ACMG Guidelines, 2015. Collection method: clinical testing. Allele origin: germline. Affected: yes.
Comment: The CACNA1A c.3692dup (p.Leu1232Profs*15) variant, to our knowledge, has not been reported in the medical literature. This variant is absent from the general population (gnomAD v.2.1.1), indicating it is not a common variant. This variant causes a frameshift by inserting one nucleotide, leading to a premature termination codon, which is predicted to lead to nonsense mediated decay. The same amino acid change (p.Leu1232Profs*15), resulting from a different nucleotide change, c.3694dup, has been reported as pathogenic in ClinVar (ClinVar Variation ID: 585566). Furthermore, two splice variants at this same location (c.3692+1G>T; c.3692+1G>A) are reported as pathogenic in ClinVar (ClinVar Variation IDs: 562220; 585567) and the c.3692+1G>A was reported in two related individuals with episodic ataxia (Tomlinson SE et al., PMID: 26912519). Based on available information and the ACMG/AMP guidelines for variant interpretation (Richards S et al., PMID: 25741868), this variant is classified as pathogenic.

Athena Diagnostics
Classification: Pathogenic. Last evaluated: 2018-06-25. Review status: criteria provided, single submitter. Criteria: Athena Diagnostics Criteria. Collection method: clinical testing. Allele origin: germline.

NM_001127222.2(CACNA1A):c.3694dup (p.Leu1232fs)

Gene: CACNA1A (calcium voltage-gated channel subunit alpha1 A; minus strand). Cytogenetic location: 19p13.13.
Variant type: Duplication.
Coding change: c.3694dup on transcript NM_001127222.2 (MANE Select); coding-DNA position 3694, one base duplicated (C; older notation c.3694dupC).
Protein change: p.Leu1232fs; shifts the reading frame from leucine 1232.
Molecular consequence: frameshift variant.
Genome position (GRCh38, 1-based): chr19:13,285,068, G duplicated on the plus strand (C on the coding strand, the reverse complement: CACNA1A is on the minus strand); the first of 3 consecutive G bases (chr19:13,285,068-13,285,070); duplicating any one gives the same sequence. VCF-style (leftmost placement, unchanged base first): chr19-13285067-C-CG. GRCh37 (hg19) VCF-style: chr19-13395881-C-CG.
Other names: c.3706dup, p.Leu1236fs (NM_000068.4, NM_023035.3); c.3697dup, p.Leu1233fs (NM_001127221.2, NM_001174080.2); c.3692dup (NM_001127222.2); short protein forms L1232fs, L1236fs, L1233fs.
Identifiers: ClinVar variation 585566 (VCV000585566.2), dbSNP rs1568493323, ClinGen allele CA891844250.